The following is an entry in ClinVar:

NM_001256447.2(BCAP31):c.75C>T (p.Pro25=)

Gene: BCAP31 (B cell receptor associated protein 31; minus strand). Cytogenetic location: Xq28.
Variant type: single nucleotide variant.
Coding change: c.75C>T on transcript NM_001256447.2 (MANE Select); coding-DNA position 75, C replaced by T.
Protein change: p.Pro25=; no amino-acid change (proline 25 retained).
Molecular consequence: synonymous variant.
Genome position (GRCh38, 1-based): chrX:153,723,170, G>A on the plus strand (C>T on the coding strand, the complement: BCAP31 is on the minus strand). VCF-style: chrX-153723170-G-A. GRCh37 (hg19) VCF-style: chrX-152988625-G-A.
Other names: c.75C>T, p.Pro25= (NM_001139441.1, NM_005745.8); c.276C>T, p.Pro92= (NM_001139457.2).
Identifiers: ClinVar variation 3388649 (VCV003388649.15).
Genomic context (GRCh38, chrX:153,723,170, plus strand): 5'-GCACCCTCCTGCCTAACTCGCCTGCTTGCTCCATAGGCCATACCTTTTAGGAGAAATGAA[G>A]GGAATGCAGAGAAGCAACACAACAAAGACCTCCGCATAGAGGAAGGTGGCAACTGCAGTC-3'
Protein context (NP_001243376.1, residues 15-35): EVFVVLLLCI[Pro25=]FISPKRWQKI

ClinVar aggregate classification (germline): Likely benign. Review status: criteria provided, multiple submitters, no conflicts (2 of 4 stars). 2 submissions from 2 submitters: Likely benign (2). Last evaluated 2024-09-01.

gnomAD v4.1: 6 of 1,208,423 alleles (0.0005%); highest among the groups gnomAD compares: Admixed American, 0.0022%; no homozygotes.

Submissions (2):

CeGaT Center for Human Genetics Tuebingen
Classification: Likely benign. Last evaluated: 2024-09-01. Review status: criteria provided, single submitter. Criteria: CeGaT Center For Human Genetics Tuebingen Variant Classification Criteria Version 2. Collection method: clinical testing. Allele origin: germline. Affected: yes. Observed: 1 variant allele.
Comment: BCAP31: BP4, BP7, BS2

Blueprint Genetics
Classification: Likely benign. Last evaluated: 2022-06-09. Review status: criteria provided, single submitter. Criteria: ACMG Guidelines, 2015. Collection method: clinical testing. Allele origin: germline.